The following is an entry in ClinVar:

ClinVar aggregate classification (germline): Conflicting classifications of pathogenicity. Review status: criteria provided, conflicting classifications (1 of 4 stars). 3 submissions from 3 submitters: Uncertain significance (2); Likely benign (1). Last evaluated 2025-07-30.

Conditions:
Hereditary pancreatitis (PCTT). Also called: Hereditary chronic pancreatitis; PRSS1-Related Hereditary Pancreatitis. Identifiers: Orphanet 676, MedGen C0238339, MONDO:0008185, OMIM 167800.

Allele frequency attached by ClinVar (database versions not stated): TOPMed 0.00005.
gnomAD v4.1: 66 of 1,525,510 alleles (0.0043%); highest among the groups gnomAD compares: Non-Finnish European, 0.0053%; no homozygotes.

Submissions (3):

Labcorp Genetics (formerly Invitae), Labcorp
Classification: Uncertain significance for Hereditary pancreatitis. Last evaluated: 2025-07-30. Review status: criteria provided, single submitter. Criteria: Invitae Variant Classification Sherloc (09022015). Collection method: clinical testing. Allele origin: germline.
Comment: This sequence change replaces leucine, which is neutral and non-polar, with phenylalanine, which is neutral and non-polar, at codon 14 of the PRSS1 protein (p.Leu14Phe). The frequency data for this variant in the population databases is considered unreliable, as metrics indicate poor data quality at this position in the gnomAD database. This variant has not been reported in the literature in individuals affected with PRSS1-related conditions. ClinVar contains an entry for this variant (Variation ID: 528768). An algorithm developed to predict the effect of missense changes on protein structure and function (PolyPhen-2) suggests that this variant is likely to be tolerated. In summary, the available evidence is currently insufficient to determine the role of this variant in disease. Therefore, it has been classified as a Variant of Uncertain Significance.

Ambry Genetics
Classification: Uncertain significance for Hereditary pancreatitis. Last evaluated: 2025-07-15. Review status: criteria provided, single submitter. Criteria: Ambry Variant Classification Scheme 2023. Collection method: clinical testing. Allele origin: germline.
Comment: The p.L14F variant (also known as c.40C>T), located in coding exon 1 of the PRSS1 gene, results from a C to T substitution at nucleotide position 40. The leucine at codon 14 is replaced by phenylalanine, an amino acid with highly similar properties. This amino acid position is poorly conserved in available vertebrate species. In addition, this alteration is predicted to be tolerated by in silico analysis. Based on the available evidence, the clinical significance of this variant remains unclear.

Blueprint Genetics
Classification: Likely benign. Last evaluated: 2024-08-30. Review status: criteria provided, single submitter. Criteria: ACMG Guidelines, 2015. Collection method: clinical testing. Allele origin: germline.

NM_002769.5(PRSS1):c.40C>T (p.Leu14Phe)

Genes: PRSS1 (serine protease 1; plus strand), TRB (T cell receptor beta locus; plus strand). Cytogenetic location: 7q34.
Variant type: single nucleotide variant.
Coding change: c.40C>T on transcript NM_002769.5 (MANE Select); coding-DNA position 40, C replaced by T.
Protein change: p.Leu14Phe; replaces leucine 14 with phenylalanine.
Molecular consequence: missense variant.
Genome position (GRCh38, 1-based): chr7:142,749,524, C>T. VCF-style: chr7-142749524-C-T. GRCh37 (hg19) VCF-style: chr7-142457375-C-T.
Other names: short protein forms L14F.
Identifiers: ClinVar variation 528768 (VCV000528768.11), dbSNP rs747228052, ClinGen allele CA4529592.